The following is an entry in ClinVar:

ClinVar aggregate classification (germline): Uncertain significance (1 of 4 stars; one submission).

Submission:

CeGaT Center for Human Genetics Tuebingen
Classification: Uncertain significance. Last evaluated: 2025-01-01. Review status: criteria provided, single submitter. Criteria: CeGaT Center For Human Genetics Tuebingen Variant Classification Criteria Version 2. Collection method: clinical testing. Allele origin: germline. Affected: yes. Observed: 1 variant allele.
Comment: SRCAP: PM2, PP2

NM_006662.3(SRCAP):c.1694A>G (p.Asp565Gly)

Gene: SRCAP (Snf2 related CREBBP activator protein; plus strand). Cytogenetic location: 16p11.2.
Variant type: single nucleotide variant.
Coding change: c.1694A>G on transcript NM_006662.3 (MANE Select); coding-DNA position 1694, A replaced by G.
Protein change: p.Asp565Gly; replaces aspartic acid 565 with glycine.
Molecular consequence: missense variant.
Genome position (GRCh38, 1-based): chr16:30,712,036, A>G. VCF-style: chr16-30712036-A-G. GRCh37 (hg19) VCF-style: chr16-30723357-A-G.
Other names: short protein forms D565G.
Identifiers: ClinVar variation 3772357 (VCV003772357.13).